The following is an entry in ClinVar:

NM_000136.3(FANCC):c.869T>C (p.Ile290Thr)

Genes: FANCC (FA complementation group C; minus strand), AOPEP (aminopeptidase O (putative); plus strand). Cytogenetic location: 9q22.32.
Variant type: single nucleotide variant.
Coding change: c.869T>C on transcript NM_000136.3 (MANE Select); coding-DNA position 869, T replaced by C.
Protein change: p.Ile290Thr; replaces isoleucine 290 with threonine.
Molecular consequence: missense variant.
Genome position (GRCh38, 1-based): chr9:95,126,556, A>G on the plus strand (T>C on the coding strand, the complement: FANCC is on the minus strand). VCF-style: chr9-95126556-A-G. GRCh37 (hg19) VCF-style: chr9-97888838-A-G.
Other names: c.869T>C, p.Ile290Thr (NM_001243743.2, NM_001243744.2); short protein forms I290T.
Identifiers: ClinVar variation 2450936 (VCV002450936.2), dbSNP rs2541176222, ClinGen allele CA374109104.

ClinVar aggregate classification (germline): Uncertain significance (1 of 4 stars; one submission).

Conditions:
Hereditary cancer-predisposing syndrome. Also called: Neoplastic Syndromes, Hereditary; Tumor predisposition; Hereditary neoplastic syndrome; Hereditary Cancer Syndrome. Identifiers: Orphanet 140162, MedGen C0027672, MeSH D009386, MONDO:0015356.

Submission:

Ambry Genetics
Classification: Uncertain significance for Hereditary cancer-predisposing syndrome. Last evaluated: 2023-01-30. Review status: criteria provided, single submitter. Criteria: Ambry Variant Classification Scheme 2023. Collection method: clinical testing. Allele origin: germline.
Comment: The p.I290T variant (also known as c.869T>C), located in coding exon 8 of the FANCC gene, results from a T to C substitution at nucleotide position 869. The isoleucine at codon 290 is replaced by threonine, an amino acid with similar properties. This amino acid position is conserved. In addition, this alteration is predicted to be deleterious by in silico analysis. Since supporting evidence is limited at this time, the clinical significance of this alteration remains unclear.